The following is an entry in ClinVar:

ClinVar aggregate classification (germline): Uncertain significance (1 of 4 stars; one submission).

Conditions:
Malignant hyperthermia, susceptibility to, 5 (MHS5). Also called: CACNA1S-Related Malignant Hyperthermia Susceptibility. Identifiers: Orphanet 423, MedGen C1866077, MONDO:0011163, OMIM 601887.

Submission:

All of Us Research Program, National Institutes of Health
Classification: Uncertain significance for Malignant hyperthermia, susceptibility to, 5. Last evaluated: 2023-04-27. Review status: criteria provided, single submitter. Criteria: ACMG Guidelines, 2015. Collection method: clinical testing. Allele origin: germline. Inheritance: Autosomal dominant inheritance. Observed: 1 variant allele, 1 heterozygote.
Comment: This study involves interpretation of variants in research participants for the purpose of population health screening. Participant phenotype was not available at the time of variant classification. Additional details can be found in publication PMID: 35346344, PMCID: PMC8962531

NM_000069.3(CACNA1S):c.4979A>T (p.Asn1660Ile)

Gene: CACNA1S (calcium voltage-gated channel subunit alpha1 S; minus strand). Cytogenetic location: 1q32.1.
Variant type: single nucleotide variant.
Coding change: c.4979A>T on transcript NM_000069.3 (MANE Select); coding-DNA position 4979, A replaced by T.
Protein change: p.Asn1660Ile; replaces asparagine 1660 with isoleucine.
Molecular consequence: missense variant.
Genome position (GRCh38, 1-based): chr1:201,043,350, T>A on the plus strand (A>T on the coding strand, the complement: CACNA1S is on the minus strand). VCF-style: chr1-201043350-T-A. GRCh37 (hg19) VCF-style: chr1-201012478-T-A.
Other names: short protein forms N1660I.
Identifiers: ClinVar variation 3070517 (VCV003070517.1), dbSNP rs1660350624, ClinGen allele CA344136179.
Genomic context (GRCh38, chr1:201,043,350, plus strand): 5'-ACATGGCTGTTGCTATGGTTGCTGTTGCCATAGGCGACATTGGCGTTGGCATTGTTGGTA[T>A]TGGCACGAGCCAGGGGGTTGGTGCGTGGATCTTGTGGGAAGTCCTCCAAGAAGACAGGTG-3'
Protein context (NP_000060.2, residues 1650-1670): DPRTNPLARA[Asn1660Ile]TNNANANVAY